The following is an entry in ClinVar:

ClinVar aggregate classification (germline): Conflicting classifications of pathogenicity. Review status: criteria provided, conflicting classifications (1 of 4 stars). 2 submissions from 2 submitters: Uncertain significance (1); Likely benign (1). Last evaluated 2023-03-23.

Conditions:
Hereditary breast ovarian cancer syndrome. Also called: Breast and ovarian cancer; Hereditary breast and ovarian cancer; Hereditary breast and/or ovarian cancer syndrome; BRCA1- and BRCA2-Associated Hereditary Breast and Ovarian Cancer; Hereditary breast and ovarian cancer syndrome; Hereditary breast and ovarian cancer syndrome (HBOC). Identifiers: Orphanet 145, MedGen C0677776, MeSH D061325, MONDO:0003582. Disease mechanism: loss of function.
Hereditary cancer-predisposing syndrome. Also called: Tumor predisposition; Hereditary neoplastic syndrome; Neoplastic Syndromes, Hereditary; Hereditary Cancer Syndrome. Identifiers: Orphanet 140162, MedGen C0027672, MeSH D009386, MONDO:0015356.

Submissions (2):

University of Washington Department of Laboratory Medicine, University of Washington
Classification: Likely benign for Hereditary cancer-predisposing syndrome. Last evaluated: 2023-03-23. Review status: criteria provided, single submitter. Criteria: Dines et al. (Genet Med. 2020). Collection method: curation. Allele origin: germline.
Comment: Missense variant in a coldspot region where missense variants are very unlikely to be pathogenic (PMID:31911673).

BRCA1 coldspot (exon 11 using historical exon numbering). Reclassification based on statistical prior probability

Labcorp Genetics (formerly Invitae), Labcorp
Classification: Uncertain significance for Hereditary breast ovarian cancer syndrome. Last evaluated: 2019-04-23. Review status: criteria provided, single submitter. Criteria: Invitae Variant Classification Sherloc (09022015). Collection method: clinical testing. Allele origin: germline.
Comment: In summary, the available evidence is currently insufficient to determine the role of this variant in disease. Therefore, it has been classified as a Variant of Uncertain Significance. Algorithms developed to predict the effect of missense changes on protein structure and function (SIFT, PolyPhen-2, Align-GVGD) all suggest that this variant is likely to be tolerated, but these predictions have not been confirmed by published functional studies and their clinical significance is uncertain. This variant has not been reported in the literature in individuals with BRCA1-related conditions. This variant is not present in population databases (ExAC no frequency). This sequence change replaces glutamic acid with aspartic acid at codon 402 of the BRCA1 protein (p.Glu402Asp). The glutamic acid residue is weakly conserved and there is a small physicochemical difference between glutamic acid and aspartic acid.

NM_007294.4(BRCA1):c.1206G>C (p.Glu402Asp)

Gene: BRCA1 (BRCA1 DNA repair associated; minus strand). Cytogenetic location: 17q21.31.
Variant type: single nucleotide variant.
Coding change: c.1206G>C on transcript NM_007294.4 (MANE Select); coding-DNA position 1206, G replaced by C.
Protein change: p.Glu402Asp; replaces glutamic acid 402 with aspartic acid.
Molecular consequence: missense variant. On other transcripts: intron variant (137).
Genome position (GRCh38, 1-based): chr17:43,094,325, C>G on the plus strand (G>C on the coding strand, the complement: BRCA1 is on the minus strand). VCF-style: chr17-43094325-C-G. GRCh37 (hg19) VCF-style: chr17-41246342-C-G.
Other names: c.996G>C, p.Glu332Asp (NM_001407879.1, NM_001407881.1, NM_001407882.1 and 13 more transcripts); c.993G>C, p.Glu331Asp (NM_001407898.1, NM_001407899.1, NM_001407916.1 and 9 more transcripts); c.1206G>C, p.Glu402Asp (NM_001407581.1, NM_001407582.1, NM_001407583.1 and 30 more transcripts); c.1203G>C, p.Glu401Asp (NM_001407587.1, NM_001407590.1, NM_001407591.1 and 22 more transcripts); c.1197G>C, p.Glu399Asp (NM_001407646.1, NM_001407647.1); c.1083G>C, p.Glu361Asp (NM_001407648.1, NM_001407664.1, NM_001407665.1 and 19 more transcripts); c.1080G>C, p.Glu360Asp (NM_001407649.1, NM_001407670.1, NM_001407671.1 and 11 more transcripts); c.1128G>C, p.Glu376Asp (NM_001407653.1, NM_001407654.1, NM_001407655.1 and 4 more transcripts); and 40 more; short protein forms E355D, E402D, E291D, E314D, E401D, E275D, E334D, E354D.
Identifiers: ClinVar variation 845696 (VCV000845696.13), dbSNP rs1283231905, ClinGen allele CA10599639.